The following is an entry in ClinVar:

NM_001384732.1(CPLANE1):c.2689G>A (p.Ala897Thr)

Gene: CPLANE1 (ciliogenesis and planar polarity effector complex subunit 1; minus strand). Cytogenetic location: 5p13.2.
Variant type: single nucleotide variant.
Coding change: c.2689G>A on transcript NM_001384732.1 (MANE Select); coding-DNA position 2689, G replaced by A.
Protein change: p.Ala897Thr; replaces alanine 897 with threonine.
Molecular consequence: missense variant.
Genome position (GRCh38, 1-based): chr5:37,221,381, C>T on the plus strand (G>A on the coding strand, the complement: CPLANE1 is on the minus strand). VCF-style: chr5-37221381-C-T. GRCh37 (hg19) VCF-style: chr5-37221483-C-T.
Other names: c.2689G>A, p.Ala897Thr (NM_023073.4); c.2689G>A (NM_023073.3); short protein forms A897T.
Identifiers: ClinVar variation 1419517 (VCV001419517.7), dbSNP rs1795324635, ClinGen allele CA359488328.

ClinVar aggregate classification (germline): Uncertain significance. Review status: criteria provided, multiple submitters, no conflicts (2 of 4 stars). 2 submissions from 2 submitters: Uncertain significance (2). Last evaluated 2024-06-11.

Conditions:
Orofaciodigital syndrome type 6 (OFD6). Also called: Oral-facial-digital syndrome type 6; Central polydactyly cleft lip/palate or lingual lump and psychomotor retardation; Y-shaped central metacarpal and cerebellar defect; Joubert syndrome with orofacialdigital anomalies; VARADI SYNDROME; VARADI-PAPP SYNDROME. Identifiers: Orphanet 2754, MedGen C2745997, MONDO:0010176, OMIM 277170.
Joubert syndrome 17 (JBTS17). Identifiers: Orphanet 475, MedGen C3553264, MONDO:0013824, OMIM 614615.

Allele frequency attached by ClinVar (database versions not stated): TOPMed below 0.00001; gnomAD 0.00001.
gnomAD v4.1: 1 of 1,533,254 alleles (0.000065%); highest among the groups gnomAD compares: African/African-American, 0.0014%; no homozygotes.

Submissions (2):

Fulgent Genetics
Classification: Uncertain significance for Orofaciodigital syndrome type 6; Joubert syndrome 17. Last evaluated: 2024-06-11. Review status: criteria provided, single submitter. Criteria: ACMG Guidelines, 2015. Collection method: clinical testing. Allele origin: germline.

Labcorp Genetics (formerly Invitae), Labcorp
Classification: Uncertain significance. Last evaluated: 2022-07-19. Review status: criteria provided, single submitter. Criteria: Invitae Variant Classification Sherloc (09022015). Collection method: clinical testing. Allele origin: germline.
Comment: In summary, the available evidence is currently insufficient to determine the role of this variant in disease. Therefore, it has been classified as a Variant of Uncertain Significance. Advanced modeling of protein sequence and biophysical properties (such as structural, functional, and spatial information, amino acid conservation, physicochemical variation, residue mobility, and thermodynamic stability) performed at Invitae indicates that this missense variant is not expected to disrupt CPLANE1 protein function. ClinVar contains an entry for this variant (Variation ID: 1419517). This variant has not been reported in the literature in individuals affected with CPLANE1-related conditions. This variant is not present in population databases (gnomAD no frequency). This sequence change replaces alanine, which is neutral and non-polar, with threonine, which is neutral and polar, at codon 897 of the CPLANE1 protein (p.Ala897Thr).